The following is an entry in ClinVar:

NM_001904.4(CTNNB1):c.2048T>C (p.Phe683Ser)

Gene: CTNNB1 (catenin beta 1; plus strand). Cytogenetic location: 3p22.1.
Variant type: single nucleotide variant.
Coding change: c.2048T>C on transcript NM_001904.4 (MANE Select); coding-DNA position 2048, T replaced by C.
Protein change: p.Phe683Ser; replaces phenylalanine 683 with serine.
Molecular consequence: missense variant.
Genome position (GRCh38, 1-based): chr3:41,236,681, T>C. VCF-style: chr3-41236681-T-C. GRCh37 (hg19) VCF-style: chr3-41278172-T-C.
Other names: c.2048T>C, p.Phe683Ser (NM_001098209.2, NM_001098210.2); c.2027T>C, p.Phe676Ser (NM_001330729.2); short protein forms F676S, F683S.
Identifiers: ClinVar variation 2446654 (VCV002446654.4), dbSNP rs2125647365, ClinGen allele CA352236703.
Genomic context (GRCh38, chr3:41,236,681, plus strand): 5'-CTGAGGACAAGCCACAAGATTACAAGAAACGGCTTTCAGTTGAGCTGACCAGCTCTCTCT[T>C]CAGAACAGAGCCAATGGCTTGGAATGAGGTAGGGAAATGTGAGCAGTTATTTATCTGGTA-3'
Protein context (NP_001895.1, residues 673-693): RLSVELTSSL[Phe683Ser]RTEPMAWNET

ClinVar aggregate classification (germline): Uncertain significance. Review status: criteria provided, multiple submitters, no conflicts (2 of 4 stars). 2 submissions from 2 submitters: Uncertain significance (2). Last evaluated 2023-09-10.

Submissions (2):

Labcorp Genetics (formerly Invitae), Labcorp
Classification: Uncertain significance. Last evaluated: 2023-09-10. Review status: criteria provided, single submitter. Criteria: Invitae Variant Classification Sherloc (09022015). Collection method: clinical testing. Allele origin: germline.
Comment: In summary, the available evidence is currently insufficient to determine the role of this variant in disease. Therefore, it has been classified as a Variant of Uncertain Significance. Advanced modeling of protein sequence and biophysical properties (such as structural, functional, and spatial information, amino acid conservation, physicochemical variation, residue mobility, and thermodynamic stability) has been performed at Invitae for this missense variant, however the output from this modeling did not meet the statistical confidence thresholds required to predict the impact of this variant on CTNNB1 protein function. ClinVar contains an entry for this variant (Variation ID: 2446654). This variant has not been reported in the literature in individuals affected with CTNNB1-related conditions. This variant is not present in population databases (gnomAD no frequency). This sequence change replaces phenylalanine, which is neutral and non-polar, with serine, which is neutral and polar, at codon 683 of the CTNNB1 protein (p.Phe683Ser).

GeneDx
Classification: Uncertain significance. Last evaluated: 2022-09-29. Review status: criteria provided, single submitter. Criteria: GeneDx Variant Classification Process June 2021. Collection method: clinical testing. Allele origin: germline. Affected: yes.
Comment: Not observed at significant frequency in large population cohorts (gnomAD); In silico analysis supports that this missense variant has a deleterious effect on protein structure/function; Has not been previously published as pathogenic or benign to our knowledge